The following is an entry in ClinVar:

ClinVar aggregate classification (germline): Uncertain significance. Review status: criteria provided, multiple submitters, no conflicts (2 of 4 stars). 2 submissions from 2 submitters: Uncertain significance (2). Last evaluated 2025-05-18.

Submissions (2):

Ambry Genetics
Classification: Uncertain significance. Last evaluated: 2025-05-18. Review status: criteria provided, single submitter. Criteria: Ambry Variant Classification Scheme 2023. Collection method: clinical testing. Allele origin: germline.

Labcorp Genetics (formerly Invitae), Labcorp
Classification: Uncertain significance. Last evaluated: 2023-07-29. Review status: criteria provided, single submitter. Criteria: Invitae Variant Classification Sherloc (09022015). Collection method: clinical testing. Allele origin: germline.
Comment: This sequence change replaces histidine, which is basic and polar, with leucine, which is neutral and non-polar, at codon 199 of the ADGRA3 protein (p.His199Leu). This variant is not present in population databases (gnomAD no frequency). This variant has not been reported in the literature in individuals affected with ADGRA3-related conditions. An algorithm developed to predict the effect of missense changes on protein structure and function (PolyPhen-2) suggests that this variant is likely to be tolerated. In summary, the available evidence is currently insufficient to determine the role of this variant in disease. Therefore, it has been classified as a Variant of Uncertain Significance.

NM_145290.4(ADGRA3):c.596A>T (p.His199Leu)

Gene: ADGRA3 (adhesion G protein-coupled receptor A3; minus strand). Cytogenetic location: 4p15.2.
Variant type: single nucleotide variant.
Coding change: c.596A>T on transcript NM_145290.4 (MANE Select); coding-DNA position 596, A replaced by T.
Protein change: p.His199Leu; replaces histidine 199 with leucine.
Molecular consequence: missense variant.
Genome position (GRCh38, 1-based): chr4:22,445,083, T>A on the plus strand (A>T on the coding strand, the complement: ADGRA3 is on the minus strand). VCF-style: chr4-22445083-T-A. GRCh37 (hg19) VCF-style: chr4-22446706-T-A.
Other names: c.596A>T (NM_145290.2); short protein forms H199L.
Identifiers: ClinVar variation 2748322 (VCV002748322.4), dbSNP rs951469992, ClinGen allele CA356478468.